The following is an entry in ClinVar:

ClinVar aggregate classification (germline): Pathogenic (1 of 4 stars; one submission).

Conditions:
Dilated cardiomyopathy 1DD (CMD1DD). Identifiers: Orphanet 154, MedGen C2750995, MONDO:0013168, OMIM 613172.

Submission:

Labcorp Genetics (formerly Invitae), Labcorp
Classification: Pathogenic for Dilated cardiomyopathy 1DD. Last evaluated: 2025-11-21. Review status: criteria provided, single submitter. Criteria: Invitae Variant Classification Sherloc (09022015). Collection method: clinical testing. Allele origin: germline.
Comment: This sequence change creates a premature translational stop signal (p.Arg359Aspfs*10) in the RBM20 gene. It is expected to result in an absent or disrupted protein product. Loss-of-function variants in RBM20 are known to be pathogenic (PMID: 20590677, 22004663, 38288598, 38510713, 40339755). This variant is not present in population databases (gnomAD no frequency). This variant has not been reported in the literature in individuals affected with RBM20-related conditions. ClinVar contains an entry for this variant (Variation ID: 2032341). For these reasons, this variant has been classified as Pathogenic.

Literature cited by the submitters: PubMed 20590677; PubMed 22004663; PubMed 38288598; PubMed 38510713; PubMed 40339755.

NM_001134363.3(RBM20):c.1075_1076del (p.Arg359fs)

Gene: RBM20 (RNA binding motif protein 20; plus strand). Cytogenetic location: 10q25.2.
Variant type: Deletion.
Coding change: c.1075_1076del on transcript NM_001134363.3 (MANE Select); coding-DNA positions 1075 to 1076, 2 bases deleted (AG; older notation c.1075_1076delAG).
Protein change: p.Arg359fs; shifts the reading frame from arginine 359.
Molecular consequence: frameshift variant.
Genome position (GRCh38, 1-based): chr10:110,781,684-110,781,685, AG deleted. VCF-style (leftmost placement, unchanged base first): chr10-110781683-CAG-C. GRCh37 (hg19) VCF-style: chr10-112541441-CAG-C.
Other names: short protein forms R359fs.
Identifiers: ClinVar variation 2032341 (VCV002032341.4), dbSNP rs2493413225, ClinGen allele CA2580081280.